The following is an entry in ClinVar:

ClinVar aggregate classification (germline): Conflicting classifications of pathogenicity. Review status: criteria provided, conflicting classifications (1 of 4 stars). 4 submissions from 4 submitters: Uncertain significance (3); Benign (1). Last evaluated 2025-12-11.

Conditions:
Deafness, congenital heart defects, and posterior embryotoxon (DCHE). Identifiers: MedGen C1866053, MONDO:0060713, OMIM 617992.
Alagille syndrome due to a JAG1 point mutation. Also called: Alagille Syndrome 1; HEPATIC DUCTULAR HYPOPLASIA, SYNDROMATIC; JAG1-Related Alagille Syndrome. Identifiers: Orphanet 261619, Orphanet 52, MedGen C1956125, MONDO:0016862, OMIM 118450.
Tetralogy of Fallot (TOF). Identifiers: Orphanet 3303, MedGen C0039685, MONDO:0008542, OMIM 187500, HP:0001636.
Charcot-Marie-Tooth disease, axonal, Type 2HH. Also called: CHARCOT-MARIE-TOOTH NEUROPATHY, TYPE 2HH. Identifiers: MedGen C5562003, MONDO:0030458, OMIM 619574.

Allele frequency attached by ClinVar (database versions not stated): gnomAD 0.00001 and 0.00002; gnomAD exomes 0.00002 and 0.00005; ExAC 0.00005; 1000 Genomes Project 30x 0.00016; 1000 Genomes Project 0.00020.
gnomAD v4.1: 28 of 1,608,326 alleles (0.0017%); highest among the groups gnomAD compares: Admixed American, 0.018%; no homozygotes.

Submissions (4):

Labcorp Genetics (formerly Invitae), Labcorp
Classification: Uncertain significance for Alagille syndrome due to a JAG1 point mutation. Last evaluated: 2025-12-11. Review status: criteria provided, single submitter. Criteria: Invitae Variant Classification Sherloc (09022015). Collection method: clinical testing. Allele origin: germline.
Comment: This sequence change replaces arginine, which is basic and polar, with glutamine, which is neutral and polar, at codon 465 of the JAG1 protein (p.Arg465Gln). This variant is present in population databases (rs558315798, gnomAD 0.03%). This variant has not been reported in the literature in individuals affected with JAG1-related conditions. ClinVar contains an entry for this variant (Variation ID: 593612). An algorithm developed to predict the effect of missense changes on protein structure and function outputs the following: PolyPhen-2: "Benign". The glutamine amino acid residue is found in multiple mammalian species, which suggests that this missense change does not adversely affect protein function. In summary, the available evidence is currently insufficient to determine the role of this variant in disease. Therefore, it has been classified as a Variant of Uncertain Significance.

Blueprint Genetics
Classification: Benign. Last evaluated: 2024-09-05. Review status: criteria provided, single submitter. Criteria: ACMG Guidelines, 2015. Collection method: clinical testing. Allele origin: germline.

Fulgent Genetics
Classification: Uncertain significance for Alagille syndrome due to a JAG1 point mutation; Tetralogy of Fallot; Deafness, congenital heart defects, and posterior embryotoxon; Charcot-Marie-Tooth disease, axonal, Type 2HH. Last evaluated: 2024-03-22. Review status: criteria provided, single submitter. Criteria: ACMG Guidelines, 2015. Collection method: clinical testing. Allele origin: germline.

Eurofins Ntd Llc (ga)
Classification: Uncertain significance. Last evaluated: 2017-08-11. Review status: criteria provided, single submitter. Criteria: EGL Classification Definitions 2015. Collection method: clinical testing. Allele origin: germline. Observed: 1 variant allele, 1 heterozygote.

NM_000214.3(JAG1):c.1394G>A (p.Arg465Gln)

Gene: JAG1 (jagged canonical Notch ligand 1; minus strand). Cytogenetic location: 20p12.2.
Variant type: single nucleotide variant.
Coding change: c.1394G>A on transcript NM_000214.3 (MANE Select); coding-DNA position 1394, G replaced by A.
Protein change: p.Arg465Gln; replaces arginine 465 with glutamine.
Molecular consequence: missense variant.
Genome position (GRCh38, 1-based): chr20:10,649,062, C>T on the plus strand (G>A on the coding strand, the complement: JAG1 is on the minus strand). VCF-style: chr20-10649062-C-T. GRCh37 (hg19) VCF-style: chr20-10629710-C-T.
Other names: c.1394G>A, p.Arg465Gln (LRG_1191t1); short protein forms R465Q.
Identifiers: ClinVar variation 593612 (VCV000593612.12), dbSNP rs558315798, ClinGen allele CA9764883.